The following is an entry in ClinVar:

NM_020779.4(WDR35):c.571-3T>A

Gene: WDR35 (WD repeat domain 35; minus strand). Cytogenetic location: 2p24.1.
Variant type: single nucleotide variant.
Coding change: c.571-3T>A on transcript NM_020779.4 (MANE Select); 3 bases into the intron before coding-DNA position 571, T replaced by A.
Molecular consequence: intron variant.
Genome position (GRCh38, 1-based): chr2:19,974,636, A>T on the plus strand (T>A on the coding strand, the complement: WDR35 is on the minus strand). VCF-style: chr2-19974636-A-T. GRCh37 (hg19) VCF-style: chr2-20174397-A-T.
Other names: c.571-3T>A (NM_001006657.2).
Identifiers: ClinVar variation 4785284 (VCV004785284.1).
Genomic context (GRCh38, chr2:19,974,636, plus strand): 5'-TTCCAGCAATGCTGATAGCTCCAGTGACATTCACCAAACAACTCAGTTTCATTTTTATCT[A>T]AATAAAATTGGTTAGGTTTAATATTTTACATTTTAAAACACAGCAGTATAGAGACAATAC-3'

ClinVar aggregate classification (germline): Uncertain significance (1 of 4 stars; one submission).

Conditions:
Short-rib thoracic dysplasia 7 with or without polydactyly (SRTD7). Also called: Short rib polydactyly syndrome 5; SHORT-RIB THORACIC DYSPLASIA 7 WITH POLYDACTYLY. Identifiers: Orphanet 498497, Orphanet 93271, MedGen C3279792, MONDO:0013569, OMIM 614091.
Cranioectodermal dysplasia 2 (CED2). Identifiers: Orphanet 1515, MedGen C3150874, MONDO:0013323, OMIM 613610.

Submission:

Labcorp Genetics (formerly Invitae), Labcorp
Classification: Uncertain significance for Cranioectodermal dysplasia 2; Short-rib thoracic dysplasia 7 with or without polydactyly. Last evaluated: 2025-06-23. Review status: criteria provided, single submitter. Criteria: Invitae Variant Classification Sherloc (09022015). Collection method: clinical testing. Allele origin: germline.
Comment: This sequence change falls in intron 6 of the WDR35 gene. It does not directly change the encoded amino acid sequence of the WDR35 protein. It affects a nucleotide within the consensus splice site. This variant is not present in population databases (gnomAD no frequency). This variant has not been reported in the literature in individuals affected with WDR35-related conditions. Variants that disrupt the consensus splice site are a relatively common cause of aberrant splicing (PMID: 17576681, 9536098). Algorithms developed to predict the effect of sequence changes on RNA splicing suggest that this variant may disrupt the consensus splice site. In summary, the available evidence is currently insufficient to determine the role of this variant in disease. Therefore, it has been classified as a Variant of Uncertain Significance.

Literature cited by the submitters: PubMed 17576681; PubMed 9536098.